The following is an entry in ClinVar:

NM_001943.5(DSG2):c.2690C>T (p.Ala897Val)

Genes: DSG2 (desmoglein 2; plus strand), DSG2-AS1 (DSG2 antisense RNA 1; minus strand). Cytogenetic location: 18q12.1.
Variant type: single nucleotide variant.
Coding change: c.2690C>T on transcript NM_001943.5 (MANE Select); coding-DNA position 2690, C replaced by T.
Protein change: p.Ala897Val; replaces alanine 897 with valine.
Molecular consequence: missense variant.
Genome position (GRCh38, 1-based): chr18:31,546,076, C>T. VCF-style: chr18-31546076-C-T. GRCh37 (hg19) VCF-style: chr18-29126039-C-T.
Other names: short protein forms A897V.
Identifiers: ClinVar variation 3700164 (VCV003700164.2).
Genomic context (GRCh38, chr18:31,546,076, plus strand): 5'-ATTCAGAGAATACCTACTCCTCTGGCAGTAGCTTCCCAGTTCCAAAATCTTTGCAAGAAG[C>T]CAATGCAGAGAAAGTAACTCAGGAAATAGTCACTGAAAGATCTGTGTCTTCTAGGCAGGC-3'
Protein context (NP_001934.2, residues 887-907): SFPVPKSLQE[Ala897Val]NAEKVTQEIV

ClinVar aggregate classification (germline): Uncertain significance (1 of 4 stars; one submission).

Conditions:
Arrhythmogenic right ventricular dysplasia 10. Also called: Arrhythmogenic Right Ventricular Dysplasia/Cardiomyopathy10; ARRHYTHMOGENIC RIGHT VENTRICULAR DYSPLASIA, FAMILIAL, 10; Arrhythmogenic right ventricular dysplasia/cardiomyopathy, type 10. Identifiers: MedGen C1857777, MONDO:0012434, OMIM 610193.

Submission:

Labcorp Genetics (formerly Invitae), Labcorp
Classification: Uncertain significance for Arrhythmogenic right ventricular dysplasia 10. Last evaluated: 2024-03-22. Review status: criteria provided, single submitter. Criteria: Invitae Variant Classification Sherloc (09022015). Collection method: clinical testing. Allele origin: germline.
Comment: This sequence change replaces alanine, which is neutral and non-polar, with valine, which is neutral and non-polar, at codon 897 of the DSG2 protein (p.Ala897Val). This variant is not present in population databases (gnomAD no frequency). This variant has not been reported in the literature in individuals affected with DSG2-related conditions. Advanced modeling of protein sequence and biophysical properties (such as structural, functional, and spatial information, amino acid conservation, physicochemical variation, residue mobility, and thermodynamic stability) performed at Invitae indicates that this missense variant is not expected to disrupt DSG2 protein function with a negative predictive value of 95%. In summary, the available evidence is currently insufficient to determine the role of this variant in disease. Therefore, it has been classified as a Variant of Uncertain Significance.